The following is an entry in ClinVar:

ClinVar aggregate classification (germline): Uncertain significance. Review status: criteria provided, multiple submitters, no conflicts (2 of 4 stars). 2 submissions from 2 submitters: Uncertain significance (2). Last evaluated 2025-08-04.

Conditions:
Inborn genetic diseases. Identifiers: MedGen C0950123, MeSH D030342.

Submissions (2):

Labcorp Genetics (formerly Invitae), Labcorp
Classification: Uncertain significance. Last evaluated: 2025-08-04. Review status: criteria provided, single submitter. Criteria: Invitae Variant Classification Sherloc (09022015). Collection method: clinical testing. Allele origin: germline.
Comment: This sequence change replaces methionine, which is neutral and non-polar, with valine, which is neutral and non-polar, at codon 293 of the C9 protein (p.Met293Val). This variant is not present in population databases (gnomAD no frequency). This variant has not been reported in the literature in individuals affected with C9-related conditions. ClinVar contains an entry for this variant (Variation ID: 3136103). Invitae Evidence Modeling of protein sequence and biophysical properties (such as structural, functional, and spatial information, amino acid conservation, physicochemical variation, residue mobility, and thermodynamic stability) indicates that this missense variant is not expected to disrupt C9 protein function with a negative predictive value of 80%. In summary, the available evidence is currently insufficient to determine the role of this variant in disease. Therefore, it has been classified as a Variant of Uncertain Significance.

Ambry Genetics
Classification: Uncertain significance for Inborn genetic diseases. Last evaluated: 2024-03-07. Review status: criteria provided, single submitter. Criteria: Ambry Variant Classification Scheme 2023. Collection method: clinical testing. Allele origin: germline.

NM_001737.5(C9):c.877A>G (p.Met293Val)

Gene: C9 (complement C9; minus strand). Cytogenetic location: 5p13.1.
Variant type: single nucleotide variant.
Coding change: c.877A>G on transcript NM_001737.5 (MANE Select); coding-DNA position 877, A replaced by G.
Protein change: p.Met293Val; replaces methionine 293 with valine.
Molecular consequence: missense variant.
Genome position (GRCh38, 1-based): chr5:39,311,371, T>C on the plus strand (A>G on the coding strand, the complement: C9 is on the minus strand). VCF-style: chr5-39311371-T-C. GRCh37 (hg19) VCF-style: chr5-39311473-T-C.
Other names: short protein forms M293V.
Identifiers: ClinVar variation 3136103 (VCV003136103.2), dbSNP rs1753482323, ClinGen allele CA359556857.